The following is an entry in ClinVar:

NM_015721.3(GEMIN4):c.1120C>T (p.Gln374Ter)

Gene: GEMIN4 (gem nuclear organelle associated protein 4; minus strand). Cytogenetic location: 17p13.3.
Variant type: single nucleotide variant.
Coding change: c.1120C>T on transcript NM_015721.3 (MANE Select); coding-DNA position 1120, C replaced by T.
Protein change: p.Gln374Ter; replaces glutamine 374 with a stop codon.
Molecular consequence: nonsense.
Genome position (GRCh38, 1-based): chr17:746,923, G>A on the plus strand (C>T on the coding strand, the complement: GEMIN4 is on the minus strand). VCF-style: chr17-746923-G-A. GRCh37 (hg19) VCF-style: chr17-650163-G-A.
Other names: short protein forms Q374*.
Identifiers: ClinVar variation 1810118 (VCV001810118.1), dbSNP rs1342821242, ClinGen allele CA397508184.

ClinVar aggregate classification (germline): Uncertain significance (1 of 4 stars; one submission).

Allele frequency attached by ClinVar (database versions not stated): gnomAD exomes below 0.00001; TOPMed 0.00001.
gnomAD v4.1: 1 of 1,613,738 alleles (0.000062%); highest among the groups gnomAD compares: Admixed American, 0.0017%; no homozygotes.

Submission:

GeneDx
Classification: Uncertain significance. Last evaluated: 2022-07-01. Review status: criteria provided, single submitter. Criteria: GeneDx Variant Classification Process June 2021. Collection method: clinical testing. Allele origin: germline. Affected: yes.
Comment: Nonsense variant predicted to result in protein truncation in a gene or region of a gene for which loss of function is not a well-established mechanism of disease; Not observed at significant frequency in large population cohorts (gnomAD); Has not been previously published as pathogenic or benign to our knowledge